The following is an entry in ClinVar:

NM_001080472.4(FITM2):c.698C>T (p.Thr233Ile)

Gene: FITM2 (fat storage inducing transmembrane protein 2; minus strand). Cytogenetic location: 20q13.12.
Variant type: single nucleotide variant.
Coding change: c.698C>T on transcript NM_001080472.4 (MANE Select); coding-DNA position 698, C replaced by T.
Protein change: p.Thr233Ile; replaces threonine 233 with isoleucine.
Molecular consequence: missense variant.
Genome position (GRCh38, 1-based): chr20:44,306,716, G>A on the plus strand (C>T on the coding strand, the complement: FITM2 is on the minus strand). VCF-style: chr20-44306716-G-A. GRCh37 (hg19) VCF-style: chr20-42935356-G-A.
Other names: short protein forms T233I.
Identifiers: ClinVar variation 3342399 (VCV003342399.3).

ClinVar aggregate classification (germline): Uncertain significance. Review status: criteria provided, multiple submitters, no conflicts (2 of 4 stars). 2 submissions from 2 submitters: Uncertain significance (2). Last evaluated 2025-03-12.

gnomAD v4.1: 305 of 1,614,012 alleles (0.019%); highest among the groups gnomAD compares: Non-Finnish European, 0.0097%; no homozygotes.

Submissions (2):

GeneDx
Classification: Uncertain significance. Last evaluated: 2025-03-12. Review status: criteria provided, single submitter. Criteria: GeneDx Variant Classification Process June 2021. Collection method: clinical testing. Allele origin: germline.
Comment: In silico analysis supports that this missense variant has a deleterious effect on protein structure/function; Has not been previously published as pathogenic or benign to our knowledge

Blueprint Genetics
Classification: Uncertain significance. Last evaluated: 2024-05-06. Review status: criteria provided, single submitter. Criteria: ACMG Guidelines, 2015. Collection method: clinical testing. Allele origin: germline.